The following is an entry in ClinVar:

ClinVar aggregate classification (germline): Uncertain significance. Review status: criteria provided, multiple submitters, no conflicts (2 of 4 stars). 2 submissions from 2 submitters: Uncertain significance (2). Last evaluated 2026-06-02.

Conditions:
Hereditary cancer-predisposing syndrome. Also called: Tumor predisposition; Hereditary neoplastic syndrome; Neoplastic Syndromes, Hereditary; Hereditary Cancer Syndrome. Identifiers: Orphanet 140162, MedGen C0027672, MeSH D009386, MONDO:0015356.
Multiple endocrine neoplasia, type 2 (MEN2). Identifiers: Orphanet 653, MedGen C4048306, MONDO:0019003. Disease mechanism: gain of function.

Submissions (2):

Ambry Genetics
Classification: Uncertain significance for Hereditary cancer-predisposing syndrome. Last evaluated: 2026-06-02. Review status: criteria provided, single submitter. Criteria: Ambry Variant Classification Scheme 2023. Collection method: clinical testing. Allele origin: germline.
Comment: The c.2711_2712delCCinsTG variant, located in coding exon 15 of the RET gene, results from an in-frame deletion of CC and insertion of TG at nucleotide positions 2711 to 2712. This results in the substitution of the serine residue for a leucine residue at codon 904, an amino acid with dissimilar properties. Based on the available evidence, the clinical significance of this variant remains unclear.

All of Us Research Program, National Institutes of Health
Classification: Uncertain significance for Multiple endocrine neoplasia, type 2. Last evaluated: 2023-07-10. Review status: criteria provided, single submitter. Criteria: ACMG Guidelines, 2015. Collection method: clinical testing. Allele origin: germline. Inheritance: Autosomal dominant inheritance. Observed: 1 variant allele, 1 heterozygote.
Comment: This missense variant replaces a serine with leucine at codon 904 of the RET protein, in a putative regulatory region of the kinase domain (PMID: 32510566). This variant has not been reported in individuals affected with RET-related disorders in the literature. A different substitution of p.Ser904Phe which resembles a phosphomimetic substitution of a phosphorylated serine has been reported to be disease-causing in ClinVar (variation ID: 24963) and reported to cause increased kinase activity and autophosphorylation in the RET protein and also an intermediate increase in the promotion of ectopic growth in a cellular assay (PMID: 21810974, 29434222). To our knowledge, functional studies have not been reported for this variant to test whether this variant substitution, p.Ser904Leu, has the same impact. This variant has not been identified in the general population by the Genome Aggregation Database (gnomAD). The available evidence is insufficient to determine the role of this variant in disease conclusively. Therefore, this variant is classified as a Variant of Uncertain Significance.

This study involves interpretation of variants in research participants for the purpose of population health screening. Participant phenotype was not available at the time of variant classification. Additional details can be found in publication PMID: 35346344, PMCID: PMC8962531

Literature cited by the submitters: PubMed 21810974 (cited by All of Us Research Program, National Institutes of Health); PubMed 29434222 (cited by All of Us Research Program, National Institutes of Health); PubMed 32510566 (cited by All of Us Research Program, National Institutes of Health).

NM_020975.6(RET):c.2711_2712delinsTG (p.Ser904Leu)

Gene: RET (ret proto-oncogene; plus strand). Cytogenetic location: 10q11.21.
Variant type: Indel.
Coding change: c.2711_2712delinsTG on transcript NM_020975.6 (MANE Select); coding-DNA positions 2711 to 2712, CC replaced by TG.
Protein change: p.Ser904Leu; replaces serine 904 with leucine.
Molecular consequence: missense variant.
Genome position (GRCh38, 1-based): chr10:43,120,184-43,120,185, CC replaced by TG. VCF-style: chr10-43120184-CC-TG. GRCh37 (hg19) VCF-style: chr10-43615632-CC-TG.
Other names: c.2711_2712delCCinsTG, p.Ser904Leu (NM_000323.2, NM_020629.2); c.1949_1950delinsTG, p.Ser650Leu (NM_001355216.2); c.2711_2712delinsTG, p.Ser904Leu (NM_001406743.1, NM_001406744.1, NM_001406759.1 and 2 more transcripts); c.2582_2583delinsTG, p.Ser861Leu (NM_001406761.1, NM_001406762.1, NM_001406764.1); c.2576_2577delinsTG, p.Ser859Leu (NM_001406763.1, NM_001406765.1); c.2423_2424delinsTG, p.Ser808Leu (NM_001406766.1, NM_001406767.1, NM_001406770.1); c.2447_2448delinsTG, p.Ser816Leu (NM_001406768.1); c.2315_2316delinsTG, p.Ser772Leu (NM_001406769.1, NM_001406772.1); and 11 more; short protein forms S421L, S469L, S509L, S560L, S562L, S565L, S574L, S605L.
Identifiers: ClinVar variation 3072428 (VCV003072428.2), dbSNP rs2538579556, ClinGen allele CA645541262.